The following is an entry in ClinVar:

NM_005002.5(NDUFA9):c.1044G>A (p.Lys348=)

Gene: NDUFA9 (NADH:ubiquinone oxidoreductase subunit A9; plus strand). Cytogenetic location: 12p13.32.
Variant type: single nucleotide variant.
Coding change: c.1044G>A on transcript NM_005002.5 (MANE Select); coding-DNA position 1044, G replaced by A.
Protein change: p.Lys348=; no amino-acid change (lysine 348 retained).
Molecular consequence: synonymous variant.
Genome position (GRCh38, 1-based): chr12:4,687,018, G>A. VCF-style: chr12-4687018-G-A. GRCh37 (hg19) VCF-style: chr12-4796184-G-A.
Identifiers: ClinVar variation 511004 (VCV000511004.1), dbSNP rs774542402, ClinGen allele CA6398364.

ClinVar aggregate classification (germline): Likely benign (1 of 4 stars; one submission).

Allele frequency attached by ClinVar (database versions not stated): gnomAD 0.00001; gnomAD exomes 0.00002 and 0.00006; ExAC 0.00010.
gnomAD v4.1: 35 of 1,614,164 alleles (0.0022%); highest among the groups gnomAD compares: South Asian, 0.035%; no homozygotes.

Submission:

GeneDx
Classification: Likely benign. Last evaluated: 2017-08-02. Review status: criteria provided, single submitter. Criteria: GeneDx Variant Classification (06012015). Collection method: clinical testing. Allele origin: germline. Affected: yes.
Comment: This variant is considered likely benign or benign based on one or more of the following criteria: it is a conservative change, it occurs at a poorly conserved position in the protein, it is predicted to be benign by multiple in silico algorithms, and/or has population frequency not consistent with disease.